The following is an entry in ClinVar:

NC_000005.9:g.(?_147204224)_(147211355_?)dup

Gene: SPINK1 (serine peptidase inhibitor Kazal type 1; minus strand). Cytogenetic location: 5q32.
Variant type: Duplication.
Identifiers: ClinVar variation 1374307 (VCV001374307.4).

ClinVar aggregate classification (germline): Uncertain significance (1 of 4 stars; one submission).

Conditions:
Hereditary pancreatitis (PCTT). Also called: PRSS1-Related Hereditary Pancreatitis; Hereditary chronic pancreatitis. Identifiers: Orphanet 676, MedGen C0238339, MONDO:0008185, OMIM 167800.

Submission:

Labcorp Genetics (formerly Invitae), Labcorp
Classification: Uncertain significance for Hereditary pancreatitis. Last evaluated: 2021-07-08. Review status: criteria provided, single submitter. Criteria: Invitae Variant Classification Sherloc (09022015). Collection method: clinical testing. Allele origin: germline.
Comment: In summary, the available evidence is currently insufficient to determine the role of this variant in disease. Therefore, it has been classified as a Variant of Uncertain Significance. Experimental studies and prediction algorithms are not available or were not evaluated, and the functional significance of this variant is currently unknown. This variant has not been reported in the literature in individuals affected with SPINK1-related conditions. A copy number gain of the genomic region encompassing the full coding sequence of the SPINK1 gene has been identified. The boundaries of this event are unknown as they extend beyond the assayed region for this gene and therefore may encompass additional genes. As the precise location of this event is unknown, it may be in tandem or it may be located elsewhere in the genome.